The following is an entry in ClinVar:

ClinVar aggregate classification (germline): Benign. Review status: criteria provided, multiple submitters, no conflicts (2 of 4 stars). 6 submissions from 6 submitters: Benign (6). Last evaluated 2026-02-04.

Conditions:
Pontoneocerebellar hypoplasia. Also called: Non-syndromic pontocerebellar hypoplasia; Pontocerebellar hypoplasia. Identifiers: Orphanet 98523, MedGen C1261175, MONDO:0020135.

Allele frequency attached by ClinVar (database versions not stated): 1000 Genomes Project 30x 0.09713; 1000 Genomes Project 0.09385; ESP Exome Variant Server 0.06297; TOPMed 0.07268.
gnomAD v4.1: 42,108 of 1,613,910 alleles (2.6%); highest among the groups gnomAD compares: African/African-American, 17%; 1,734 homozygotes.

Submissions (6):

Labcorp Genetics (formerly Invitae), Labcorp
Classification: Benign. Last evaluated: 2026-02-04. Review status: criteria provided, single submitter. Criteria: Invitae Variant Classification Sherloc (09022015). Collection method: clinical testing. Allele origin: germline.

Illumina Laboratory Services, Illumina
Classification: Benign for Pontoneocerebellar hypoplasia. Last evaluated: 2018-01-12. Review status: criteria provided, single submitter. Criteria: ICSL Variant Classification Criteria 13 December 2019. Collection method: clinical testing. Allele origin: germline.
Comment: This variant was observed in the ICSL laboratory as part of a predisposition screen in an ostensibly healthy population. It had not been previously curated by ICSL or reported in the Human Gene Mutation Database (HGMD: prior to June 1st, 2018), and was therefore a candidate for classification through an automated scoring system. Utilizing variant allele frequency, disease prevalence and penetrance estimates, and inheritance mode, an automated score was calculated to assess if this variant is too frequent to cause the disease. Based on the score and internal cut-off values, a variant classified as benign is not then subjected to further curation. The score for this variant resulted in a classification of benign for this disease.

GeneDx
Classification: Benign. Last evaluated: 2014-06-04. Review status: criteria provided, single submitter. Criteria: GeneDx Variant Classification (06012015). Collection method: clinical testing. Allele origin: germline. Affected: yes.
Comment: This variant is considered likely benign or benign based on one or more of the following criteria: it is a conservative change, it occurs at a poorly conserved position in the protein, it is predicted to be benign by multiple in silico algorithms, and/or has population frequency not consistent with disease.

Genetic Services Laboratory, University of Chicago
Classification: Benign. Last evaluated: 2013-02-08. Review status: criteria provided, single submitter. Criteria: ACMG Guidelines, 2007. Collection method: clinical testing. Allele origin: germline. Inheritance: Autosomal recessive inheritance.

Breakthrough Genomics
Classification: Benign. Review status: criteria provided, single submitter. Criteria: ACMG Guidelines, 2015. Collection method: not provided. Allele origin: germline. Inheritance: Autosomal recessive inheritance. Affected: yes.

PreventionGenetics, part of Exact Sciences
Classification: Benign. Review status: criteria provided, single submitter. Criteria: ACMG Guidelines, 2015. Collection method: clinical testing. Allele origin: germline.

NM_025265.4(TSEN2):c.122G>A (p.Arg41His)

Gene: TSEN2 (tRNA splicing endonuclease subunit 2; plus strand). Cytogenetic location: 3p25.2.
Variant type: single nucleotide variant.
Coding change: c.122G>A on transcript NM_025265.4 (MANE Select); coding-DNA position 122, G replaced by A.
Protein change: p.Arg41His; replaces arginine 41 with histidine.
Molecular consequence: missense variant. On other transcripts: non-coding transcript variant (1).
Genome position (GRCh38, 1-based): chr3:12,489,922, G>A. VCF-style: chr3-12489922-G-A. GRCh37 (hg19) VCF-style: chr3-12531421-G-A.
Other names: p.R41H:CGT>CAT; c.122G>A, p.Arg41His (NM_001145392.2, NM_001145393.3, NM_001145394.2 and 3 more transcripts); short protein forms R41H.
Identifiers: ClinVar variation 137752 (VCV000137752.18), dbSNP rs12495784, ClinGen allele CA173667.